The following is an entry in ClinVar:

ClinVar aggregate classification (germline): Uncertain significance (1 of 4 stars; one submission).

Submission:

Labcorp Genetics (formerly Invitae), Labcorp
Classification: Uncertain significance. Last evaluated: 2024-05-06. Review status: criteria provided, single submitter. Criteria: Invitae Variant Classification Sherloc (09022015). Collection method: clinical testing. Allele origin: germline.
Comment: This sequence change replaces valine, which is neutral and non-polar, with leucine, which is neutral and non-polar, at codon 377 of the TYR protein (p.Val377Leu). This variant is not present in population databases (gnomAD no frequency). This variant has not been reported in the literature in individuals affected with TYR-related conditions. ClinVar contains an entry for this variant (Variation ID: 1898992). Advanced modeling of protein sequence and biophysical properties (such as structural, functional, and spatial information, amino acid conservation, physicochemical variation, residue mobility, and thermodynamic stability) has been performed at Invitae for this missense variant, however the output from this modeling did not meet the statistical confidence thresholds required to predict the impact of this variant on TYR protein function. This variant disrupts the p.Val377 amino acid residue in TYR. Other variant(s) that disrupt this residue have been determined to be pathogenic (PMID: 34838614). This suggests that this residue is clinically significant, and that variants that disrupt this residue are likely to be disease-causing. In summary, the available evidence is currently insufficient to determine the role of this variant in disease. Therefore, it has been classified as a Variant of Uncertain Significance.

Literature cited by the submitters: PubMed 34838614.

NM_000372.5(TYR):c.1129G>T (p.Val377Leu)

Gene: TYR (tyrosinase; plus strand). Cytogenetic location: 11q14.3.
Variant type: single nucleotide variant.
Coding change: c.1129G>T on transcript NM_000372.5 (MANE Select); coding-DNA position 1129, G replaced by T.
Protein change: p.Val377Leu; replaces valine 377 with leucine.
Molecular consequence: missense variant.
Genome position (GRCh38, 1-based): chr11:89,227,915, G>T. VCF-style: chr11-89227915-G-T. GRCh37 (hg19) VCF-style: chr11-88961083-G-T.
Other names: short protein forms V377L.
Identifiers: ClinVar variation 1898992 (VCV001898992.5), dbSNP rs1394026490, ClinGen allele CA382028733.